The following is an entry in ClinVar:

ClinVar aggregate classification (germline): Uncertain significance (1 of 4 stars; one submission).

Submission:

GeneDx
Classification: Uncertain significance. Last evaluated: 2023-06-06. Review status: criteria provided, single submitter. Criteria: GeneDx Variant Classification Process June 2021. Collection method: clinical testing. Allele origin: germline. Affected: yes.
Comment: Not observed at significant frequency in large population cohorts (gnomAD); In silico analysis supports that this missense variant has a deleterious effect on protein structure/function; Has not been previously published as pathogenic or benign to our knowledge

NM_002860.4(ALDH18A1):c.2030T>C (p.Val677Ala)

Gene: ALDH18A1 (aldehyde dehydrogenase 18 family member A1; minus strand). Cytogenetic location: 10q24.1.
Variant type: single nucleotide variant.
Coding change: c.2030T>C on transcript NM_002860.4 (MANE Select); coding-DNA position 2030, T replaced by C.
Protein change: p.Val677Ala; replaces valine 677 with alanine.
Molecular consequence: missense variant.
Genome position (GRCh38, 1-based): chr10:95,611,336, A>G on the plus strand (T>C on the coding strand, the complement: ALDH18A1 is on the minus strand). VCF-style: chr10-95611336-A-G. GRCh37 (hg19) VCF-style: chr10-97371093-A-G.
Other names: c.2024T>C, p.Val675Ala (NM_001017423.2, NM_001323415.2); c.1697T>C, p.Val566Ala (NM_001323412.2, NM_001323416.2); c.2030T>C, p.Val677Ala (NM_001323413.2, NM_001323414.2); c.1925T>C, p.Val642Ala (NM_001323417.2); c.1691T>C, p.Val564Ala (NM_001323418.2); c.1394T>C, p.Val465Ala (NM_001323419.2); short protein forms V465A, V564A, V566A, V642A, V675A, V677A.
Identifiers: ClinVar variation 1695612 (VCV001695612.3), dbSNP rs2139530313, ClinGen allele CA377699960.